The following is an entry in ClinVar:

NM_024312.5(GNPTAB):c.3586C>T (p.His1196Tyr)

Gene: GNPTAB (N-acetylglucosamine-1-phosphate transferase subunits alpha and beta; minus strand). Cytogenetic location: 12q23.2.
Variant type: single nucleotide variant.
Coding change: c.3586C>T on transcript NM_024312.5 (MANE Select); coding-DNA position 3586, C replaced by T.
Protein change: p.His1196Tyr; replaces histidine 1196 with tyrosine.
Molecular consequence: missense variant.
Genome position (GRCh38, 1-based): chr12:101,753,388, G>A on the plus strand (C>T on the coding strand, the complement: GNPTAB is on the minus strand). VCF-style: chr12-101753388-G-A. GRCh37 (hg19) VCF-style: chr12-102147166-G-A.
Other names: c.3586C>T (NM_024312.4); short protein forms H1196Y.
Identifiers: ClinVar variation 2185543 (VCV002185543.3), dbSNP rs979933501, ClinGen allele CA242447578.

ClinVar aggregate classification (germline): Uncertain significance. Review status: criteria provided, multiple submitters, no conflicts (2 of 4 stars). 2 submissions from 2 submitters: Uncertain significance (2). Last evaluated 2024-10-03.

Conditions:
Inborn genetic diseases. Identifiers: MedGen C0950123, MeSH D030342.
Mucolipidosis type II. Also called: Mucolipidosis 2; ML 2; Inclusion cell disease; Leroy Disease; N-acetylglucosamine 1phosphotransferase deficiency; ML disorder type 2. Identifiers: Orphanet 576, MedGen C2673377, MONDO:0009650, OMIM 252500.
Pseudo-Hurler polydystrophy. Also called: ML IIIA; Mucolipidosis III Alpha/Beta; MUCOLIPIDOSIS IIIA; ML III; ML III ALPHA/BETA; Type III Mucolipidosis. Identifiers: Orphanet 423461, Orphanet 577, MedGen C0033788, MONDO:0018931, OMIM 252600.

Allele frequency attached by ClinVar (database versions not stated): TOPMed 0.00003; gnomAD exomes below 0.00001; gnomAD 0.00002.
gnomAD v4.1: 6 of 1,613,548 alleles (0.00037%); highest among the groups gnomAD compares: Admixed American, 0.01%; no homozygotes.

Submissions (2):

Labcorp Genetics (formerly Invitae), Labcorp
Classification: Uncertain significance for Pseudo-Hurler polydystrophy; Mucolipidosis type II. Last evaluated: 2024-10-03. Review status: criteria provided, single submitter. Criteria: Invitae Variant Classification Sherloc (09022015). Collection method: clinical testing. Allele origin: germline.
Comment: This sequence change replaces histidine, which is basic and polar, with tyrosine, which is neutral and polar, at codon 1196 of the GNPTAB protein (p.His1196Tyr). This variant is present in population databases (no rsID available, gnomAD 0.006%). This variant has not been reported in the literature in individuals affected with GNPTAB-related conditions. ClinVar contains an entry for this variant (Variation ID: 2185543). Invitae Evidence Modeling of protein sequence and biophysical properties (such as structural, functional, and spatial information, amino acid conservation, physicochemical variation, residue mobility, and thermodynamic stability) indicates that this missense variant is not expected to disrupt GNPTAB protein function with a negative predictive value of 80%. In summary, the available evidence is currently insufficient to determine the role of this variant in disease. Therefore, it has been classified as a Variant of Uncertain Significance.

Ambry Genetics
Classification: Uncertain significance for Inborn genetic diseases. Last evaluated: 2023-12-16. Review status: criteria provided, single submitter. Criteria: Ambry Variant Classification Scheme 2023. Collection method: clinical testing. Allele origin: germline.